The following is an entry in ClinVar:

ClinVar aggregate classification (germline): Uncertain significance (1 of 4 stars; one submission).

Conditions:
Developmental and epileptic encephalopathy, 14 (DEE14). Also called: Early infantile epileptic encephalopathy 14. Identifiers: Orphanet 293181, MedGen C3554195, MONDO:0013989, OMIM 614959.

Submission:

Mendelics
Classification: Uncertain significance for Developmental and epileptic encephalopathy, 14. Last evaluated: 2026-03-05. Review status: criteria provided, single submitter. Criteria: ACMG Guidelines, 2015. Collection method: clinical testing. Allele origin: unknown.
Comment: The available evidence is insufficient to conclusively determine the role of this variant. Therefore, it is classified as a Variant of Uncertain Significance.

NM_020822.3(KCNT1):c.1670C>T (p.Ser557Phe)

Gene: KCNT1 (potassium sodium-activated channel subfamily T member 1; plus strand). Cytogenetic location: 9q34.3.
Variant type: single nucleotide variant.
Coding change: c.1670C>T on transcript NM_020822.3 (MANE Select); coding-DNA position 1670, C replaced by T.
Protein change: p.Ser557Phe; replaces serine 557 with phenylalanine.
Molecular consequence: missense variant.
Genome position (GRCh38, 1-based): chr9:135,770,348, C>T. VCF-style: chr9-135770348-C-T. GRCh37 (hg19) VCF-style: chr9-138662194-C-T.
Other names: c.1535C>T, p.Ser512Phe (NM_001272003.2); short protein forms S512F, S557F.
Identifiers: ClinVar variation 4813525 (VCV004813525.1).
Genomic context (GRCh38, chr9:135,770,348, plus strand): 5'-TGGCCCACAGGGAGGGACAGGAGTCTCCGGAGCAGTGGCAGCGCATGTATGGGCGCTGCT[C>T]CGGCAACGAGGTGTACCACATCCGCATGGGTGACAGCAAGTTCTTCCGCGAGTACGAGGG-3'
Protein context (NP_065873.2, residues 547-567): EQWQRMYGRC[Ser557Phe]GNEVYHIRMG